The following is an entry in ClinVar:

ClinVar aggregate classification (germline): Uncertain significance (1 of 4 stars; one submission).

Conditions:
Inborn genetic diseases. Identifiers: MedGen C0950123, MeSH D030342.

gnomAD v4.1: 22 of 1,418,888 alleles (0.0016%); highest among the groups gnomAD compares: South Asian, 0.0045%; no homozygotes.

Submission:

Ambry Genetics
Classification: Uncertain significance for Inborn genetic diseases. Last evaluated: 2024-11-23. Review status: criteria provided, single submitter. Criteria: Ambry Variant Classification Scheme 2023. Collection method: clinical testing. Allele origin: germline.
Comment: The p.G232R variant (also known as c.694G>C), located in coding exon 1 of the SH2B3 gene, results from a G to C substitution at nucleotide position 694. The glycine at codon 232 is replaced by arginine, an amino acid with dissimilar properties. This amino acid position is conserved. In addition, this alteration is predicted to be tolerated by in silico analysis. Based on the available evidence, the clinical significance of this variant remains unclear.

NM_005475.3(SH2B3):c.694G>C (p.Gly232Arg)

Gene: SH2B3 (SH2B adaptor protein 3; plus strand). Cytogenetic location: 12q24.12.
Variant type: single nucleotide variant.
Coding change: c.694G>C on transcript NM_005475.3 (MANE Select); coding-DNA position 694, G replaced by C.
Protein change: p.Gly232Arg; replaces glycine 232 with arginine.
Molecular consequence: missense variant.
Genome position (GRCh38, 1-based): chr12:111,418,839, G>C. VCF-style: chr12-111418839-G-C. GRCh37 (hg19) VCF-style: chr12-111856643-G-C.
Other names: short protein forms G232R.
Identifiers: ClinVar variation 3440771 (VCV003440771.1).